The following is an entry in ClinVar:

NM_032447.5(FBN3):c.3272A>G (p.Asp1091Gly)

Gene: FBN3 (fibrillin 3; minus strand). Cytogenetic location: 19p13.2.
Variant type: single nucleotide variant.
Coding change: c.3272A>G on transcript NM_032447.5 (MANE Select); coding-DNA position 3272, A replaced by G.
Protein change: p.Asp1091Gly; replaces aspartic acid 1091 with glycine.
Molecular consequence: missense variant.
Genome position (GRCh38, 1-based): chr19:8,118,962, T>C on the plus strand (A>G on the coding strand, the complement: FBN3 is on the minus strand). VCF-style: chr19-8118962-T-C. GRCh37 (hg19) VCF-style: chr19-8183846-T-C.
Other names: c.3272A>G, p.Asp1091Gly (NM_001321431.2); short protein forms D1091G.
Identifiers: ClinVar variation 2595196 (VCV002595196.6), dbSNP rs202022496, ClinGen allele CA9152497.

ClinVar aggregate classification (germline): Uncertain significance. Review status: criteria provided, multiple submitters, no conflicts (2 of 4 stars). 2 submissions from 2 submitters: Uncertain significance (2). Last evaluated 2025-11-05.

Allele frequency attached by ClinVar (database versions not stated): gnomAD exomes 0.00001; ExAC 0.00002; ESP Exome Variant Server 0.00008; TOPMed 0.00011; gnomAD 0.00013; 1000 Genomes Project 30x 0.00016; 1000 Genomes Project 0.00020.
gnomAD v4.1: 29 of 1,613,054 alleles (0.0018%); highest among the groups gnomAD compares: African/African-American, 0.039%; no homozygotes.

Submissions (2):

Ambry Genetics
Classification: Uncertain significance. Last evaluated: 2025-11-05. Review status: criteria provided, single submitter. Criteria: Ambry Variant Classification Scheme 2023. Collection method: clinical testing. Allele origin: germline.

Labcorp Genetics (formerly Invitae), Labcorp
Classification: Uncertain significance. Last evaluated: 2023-05-27. Review status: criteria provided, single submitter. Criteria: Invitae Variant Classification Sherloc (09022015). Collection method: clinical testing. Allele origin: germline.
Comment: This sequence change replaces aspartic acid, which is acidic and polar, with glycine, which is neutral and non-polar, at codon 1091 of the FBN3 protein (p.Asp1091Gly). This variant is present in population databases (rs202022496, gnomAD 0.03%). This variant has not been reported in the literature in individuals affected with FBN3-related conditions. Advanced modeling of protein sequence and biophysical properties (such as structural, functional, and spatial information, amino acid conservation, physicochemical variation, residue mobility, and thermodynamic stability) performed at Invitae indicates that this missense variant is not expected to disrupt FBN3 protein function. In summary, the available evidence is currently insufficient to determine the role of this variant in disease. Therefore, it has been classified as a Variant of Uncertain Significance.